The following is an entry in ClinVar:

NM_003001.5(SDHC):c.247dup (p.Ser83fs)

Gene: SDHC (succinate dehydrogenase complex subunit C; plus strand). Cytogenetic location: 1q23.3.
Variant type: Duplication.
Coding change: c.247dup on transcript NM_003001.5 (MANE Select); coding-DNA position 247, one base duplicated (T; older notation c.247dupT).
Protein change: p.Ser83fs; shifts the reading frame from serine 83.
Molecular consequence: frameshift variant. On other transcripts: non-coding transcript variant (1), intron variant (3).
Genome position (GRCh38, 1-based): chr1:161,356,682, T duplicated. VCF-style (leftmost placement, unchanged base first): chr1-161356681-C-CT. GRCh37 (hg19) VCF-style: chr1-161326471-C-CT.
Other names: c.145dup, p.Ser49fs (NM_001035512.3); c.88dup, p.Ser30fs (NM_001035513.3); c.367dup, p.Ser123fs (NM_001407115.1); c.190dup, p.Ser64fs (NM_001407116.1); c.184dup, p.Ser62fs (NM_001407117.1); c.139dup, p.Ser47fs (NM_001407118.1); c.136dup, p.Ser46fs (NM_001407119.1, NM_001407120.1); c.242-5647dup (NM_001035511.3); and 2 more; short protein forms S30fs, S83fs, S49fs, S123fs, S47fs, S62fs, S64fs, S46fs.
Identifiers: ClinVar variation 853482 (VCV000853482.8), dbSNP rs1672284298, ClinGen allele CA916081292.
Genomic context (GRCh38, chr1:161,356,681, plus strand): 5'-TCATATTAGTTGTAACTTATGAGCAGCTGTGACAAGCTACTTGGTTTTCTCCTCAGGGGT[C>CT]TCTCTTTTTGGCATGTCGGCCCTGTTACTCCCTGGGAACTTTGAGTCTTATTTGGAACTT-3'

ClinVar aggregate classification (germline): Pathogenic (1 of 4 stars; one submission).

Conditions:
Pheochromocytoma/paraganglioma syndrome 3. Also called: GLOMUS TUMORS, FAMILIAL, 3; Paragangliomas 3; SDHC-Related Hereditary Paraganglioma-Pheochromocytoma Syndrome (Paragangliomas 3); SDHC-Related Hereditary Paraganglioma-Pheochromocytoma Syndrome. Identifiers: Orphanet 29072, MedGen C1854336, MONDO:0011544, OMIM 605373.
Gastrointestinal stromal tumor. Also called: Gastrointestinal stromal tumor, somatic; Gastrointestinal stroma tumor. Identifiers: Orphanet 44890, MedGen C0238198, MeSH D046152, MONDO:0011719, OMIM 606764, HP:0100723.

Submission:

Labcorp Genetics (formerly Invitae), Labcorp
Classification: Pathogenic for Pheochromocytoma/paraganglioma syndrome 3; Gastrointestinal stromal tumor. Last evaluated: 2019-01-29. Review status: criteria provided, single submitter. Criteria: Invitae Variant Classification Sherloc (09022015). Collection method: clinical testing. Allele origin: germline.
Comment: This sequence change creates a premature translational stop signal (p.Ser83Phefs*15) in the SDHC gene. It is expected to result in an absent or disrupted protein product. This variant is not present in population databases (ExAC no frequency). This variant has not been reported in the literature in individuals with SDHC-related conditions. Loss-of-function variants in SDHC are known to be pathogenic (PMID: 19454582, 24758179). For these reasons, this variant has been classified as Pathogenic.

Literature cited by the submitters: PubMed 19454582; PubMed 24758179.